The following is an entry in ClinVar:

NM_005862.3(STAG1):c.1757C>T (p.Ala586Val)

Gene: STAG1 (STAG1 cohesin complex component; minus strand). Cytogenetic location: 3q22.3.
Variant type: single nucleotide variant.
Coding change: c.1757C>T on transcript NM_005862.3 (MANE Select); coding-DNA position 1757, C replaced by T.
Protein change: p.Ala586Val; replaces alanine 586 with valine.
Molecular consequence: missense variant.
Genome position (GRCh38, 1-based): chr3:136,422,844, G>A on the plus strand (C>T on the coding strand, the complement: STAG1 is on the minus strand). VCF-style: chr3-136422844-G-A. GRCh37 (hg19) VCF-style: chr3-136141686-G-A.
Other names: short protein forms A586V.
Identifiers: ClinVar variation 1717283 (VCV001717283.5), dbSNP rs762179492, ClinGen allele CA2632794.

ClinVar aggregate classification (germline): Uncertain significance (1 of 4 stars; one submission).

Allele frequency attached by ClinVar (database versions not stated): ExAC 0.00003.
gnomAD v4.1: 6 of 1,608,616 alleles (0.00037%); highest among the groups gnomAD compares: Admixed American, 0.01%; no homozygotes.

Submission:

Labcorp Genetics (formerly Invitae), Labcorp
Classification: Uncertain significance. Last evaluated: 2022-08-21. Review status: criteria provided, single submitter. Criteria: Invitae Variant Classification Sherloc (09022015). Collection method: clinical testing. Allele origin: germline.
Comment: In summary, the available evidence is currently insufficient to determine the role of this variant in disease. Therefore, it has been classified as a Variant of Uncertain Significance. Advanced modeling of protein sequence and biophysical properties (such as structural, functional, and spatial information, amino acid conservation, physicochemical variation, residue mobility, and thermodynamic stability) performed at Invitae indicates that this missense variant is not expected to disrupt STAG1 protein function. This variant has not been reported in the literature in individuals affected with STAG1-related conditions. This variant is present in population databases (rs762179492, gnomAD 0.02%). This sequence change replaces alanine, which is neutral and non-polar, with valine, which is neutral and non-polar, at codon 586 of the STAG1 protein (p.Ala586Val).